The following is an entry in ClinVar:

ClinVar aggregate classification (germline): Conflicting classifications of pathogenicity. Review status: criteria provided, conflicting classifications (1 of 4 stars). 3 submissions from 3 submitters: Uncertain significance (2); Likely benign (1). Last evaluated 2025-12-24.

Conditions:
Breast-ovarian cancer, familial, susceptibility to, 3. Also called: RAD51C-Related Breast/Ovarian Cancer. Identifiers: Orphanet 145, MedGen C3150659, MONDO:0013253, OMIM 613399.
Hereditary cancer-predisposing syndrome. Also called: Neoplastic Syndromes, Hereditary; Tumor predisposition; Hereditary neoplastic syndrome; Hereditary Cancer Syndrome. Identifiers: Orphanet 140162, MedGen C0027672, MeSH D009386, MONDO:0015356.
Fanconi anemia complementation group O. Also called: RAD51C-Related Fanconi Anemia. Identifiers: Orphanet 84, MedGen C3150653, MONDO:0013248, OMIM 613390.

gnomAD v4.1: 1 of 1,611,488 alleles (0.000062%); highest among the groups gnomAD compares: Admixed American, 0.0017%; no homozygotes.

Submissions (3):

Labcorp Genetics (formerly Invitae), Labcorp
Classification: Uncertain significance for Fanconi anemia complementation group O. Last evaluated: 2025-12-24. Review status: criteria provided, single submitter. Criteria: Invitae Variant Classification Sherloc (09022015). Collection method: clinical testing. Allele origin: germline.
Comment: This sequence change replaces valine, which is neutral and non-polar, with isoleucine, which is neutral and non-polar, at codon 298 of the RAD51C protein (p.Val298Ile). This variant is not present in population databases (gnomAD no frequency). This variant has not been reported in the literature in individuals affected with RAD51C-related conditions. ClinVar contains an entry for this variant (Variation ID: 1765149). Invitae Evidence Modeling of protein sequence and biophysical properties (such as structural, functional, and spatial information, amino acid conservation, physicochemical variation, residue mobility, and thermodynamic stability) indicates that this missense variant is not expected to disrupt RAD51C protein function with a negative predictive value of 80%. In summary, the available evidence is currently insufficient to determine the role of this variant in disease. Therefore, it has been classified as a Variant of Uncertain Significance.

Ambry Genetics
Classification: Likely benign for Hereditary cancer-predisposing syndrome. Last evaluated: 2024-05-10. Review status: criteria provided, single submitter. Criteria: Ambry Variant Classification Scheme 2023. Collection method: clinical testing. Allele origin: germline.

KCCC/NGS Laboratory, Kuwait Cancer Control Center
Classification: Uncertain significance for Breast-ovarian cancer, familial, susceptibility to, 3. Last evaluated: 2023-07-18. Review status: criteria provided, single submitter. Criteria: ACMG Guidelines, 2015. Collection method: clinical testing. Allele origin: unknown. Inheritance: Autosomal dominant inheritance. Affected: yes. Observed: 1 heterozygote.
Comment: This sequence change replaces valine, which is neutral and non-polar, with isoleucine, which is neutral and nonpolar, at codon 298 of the RAD51C protein (p.Val298Ile). This variant is not present in population databases (gnomAD no frequency). ClinVar contain an entry for this variant ( variant ID:1765749) classified as uncertain significance variant . This variant has not been reported in the literature in individuals affected with RAD51C-related conditions. Algorithms developed to predict the effect of missense changes on protein structure and function output the following: SIFT: "Tolerated"; PolyPhen-2: "Benign" . T In summary, the available evidence is currently insufficient to determine the role of this variant in disease. Therefore, it has been classified as a Variant of Uncertain Significance.

NM_058216.3(RAD51C):c.892G>A (p.Val298Ile)

Gene: RAD51C (RAD51 paralog C; plus strand). Cytogenetic location: 17q22.
Variant type: single nucleotide variant.
Coding change: c.892G>A on transcript NM_058216.3 (MANE Select); coding-DNA position 892, G replaced by A.
Protein change: p.Val298Ile; replaces valine 298 with isoleucine.
Molecular consequence: missense variant. On other transcripts: non-coding transcript variant (1).
Genome position (GRCh38, 1-based): chr17:58,720,800, G>A. VCF-style: chr17-58720800-G-A. GRCh37 (hg19) VCF-style: chr17-56798161-G-A.
Other names: c.892G>A (NM_058216.2); c.*320G>A (NM_058217.1); short protein forms V298I.
Identifiers: ClinVar variation 1765149 (VCV001765149.10), dbSNP rs1555602145, ClinGen allele CA400359759.
Genomic context (GRCh38, chr17:58,720,800, plus strand): 5'-TTGTAGGTAATTTTAACCAATCAGATGACAACAAAGATTGATAGAAATCAGGCCTTGCTT[G>A]TTCCTGCATTAGGTGGGTAATTAATCAGATAAACATTTTAGTTTATCACAGTTTTTCTTA-3'
Protein context (NP_478123.1, residues 288-308): TKIDRNQALL[Val298Ile]PALGESWGHA